The following is an entry in ClinVar:

ClinVar aggregate classification (germline): Uncertain significance (1 of 4 stars; one submission).

Conditions:
Developmental and epileptic encephalopathy, 34 (DEE34). Also called: Early infantile epileptic encephalopathy 34; SLC12A5-Related Epilepsy of Infancy with Migrating Focal Seizures. Identifiers: Orphanet 293181, MedGen C4225257, MONDO:0014718, OMIM 616645.

Submission:

Labcorp Genetics (formerly Invitae), Labcorp
Classification: Uncertain significance for Developmental and epileptic encephalopathy, 34. Last evaluated: 2022-04-26. Review status: criteria provided, single submitter. Criteria: Invitae Variant Classification Sherloc (09022015). Collection method: clinical testing. Allele origin: germline.
Comment: This sequence change replaces valine, which is neutral and non-polar, with phenylalanine, which is neutral and non-polar, at codon 258 of the SLC12A5 protein (p.Val258Phe). Advanced modeling of protein sequence and biophysical properties (such as structural, functional, and spatial information, amino acid conservation, physicochemical variation, residue mobility, and thermodynamic stability) performed at Invitae indicates that this missense variant is not expected to disrupt SLC12A5 protein function. This variant has not been reported in the literature in individuals affected with SLC12A5-related conditions. This variant is not present in population databases (gnomAD no frequency). In summary, the available evidence is currently insufficient to determine the role of this variant in disease. Therefore, it has been classified as a Variant of Uncertain Significance.

NM_020708.5(SLC12A5):c.772G>T (p.Val258Phe)

Gene: SLC12A5 (solute carrier family 12 member 5; plus strand). Cytogenetic location: 20q13.12.
Variant type: single nucleotide variant.
Coding change: c.772G>T on transcript NM_020708.5 (MANE Select); coding-DNA position 772, G replaced by T.
Protein change: p.Val258Phe; replaces valine 258 with phenylalanine.
Molecular consequence: missense variant.
Genome position (GRCh38, 1-based): chr20:46,040,532, G>T. VCF-style: chr20-46040532-G-T. GRCh37 (hg19) VCF-style: chr20-44669171-G-T.
Other names: c.841G>T, p.Val281Phe (NM_001134771.2); short protein forms V281F, V258F.
Identifiers: ClinVar variation 2130893 (VCV002130893.4), dbSNP rs915523015, ClinGen allele CA409189964.